The following is an entry in ClinVar:

ClinVar aggregate classification (germline): Uncertain significance. Review status: criteria provided, multiple submitters, no conflicts (2 of 4 stars). 3 submissions from 3 submitters: Uncertain significance (3). Last evaluated 2022-07-26.

Conditions:
Inborn genetic diseases. Identifiers: MedGen C0950123, MeSH D030342.
LAMA2-related muscular dystrophy (LAMA2-RD). Also called: Laminin alpha 2-related dystrophy. Identifiers: MedGen C5679788, MONDO:0100228.

Allele frequency attached by ClinVar (database versions not stated): ExAC 0.00002; TOPMed 0.00002; gnomAD exomes 0.00003.
gnomAD v4.1: 23 of 1,614,036 alleles (0.0014%); highest among the groups gnomAD compares: Admixed American, 0.01%; no homozygotes.

Submissions (3):

Labcorp Genetics (formerly Invitae), Labcorp
Classification: Uncertain significance for LAMA2-related muscular dystrophy. Last evaluated: 2022-07-26. Review status: criteria provided, single submitter. Criteria: Invitae Variant Classification Sherloc (09022015). Collection method: clinical testing. Allele origin: germline.
Comment: This sequence change replaces arginine, which is basic and polar, with glutamine, which is neutral and polar, at codon 1549 of the LAMA2 protein (p.Arg1549Gln). This variant is present in population databases (rs778508100, gnomAD 0.01%). This missense change has been observed in individual(s) with clinical features of LAMA2-related disease (Invitae). ClinVar contains an entry for this variant (Variation ID: 450942). Advanced modeling of protein sequence and biophysical properties (such as structural, functional, and spatial information, amino acid conservation, physicochemical variation, residue mobility, and thermodynamic stability) performed at Invitae indicates that this missense variant is not expected to disrupt LAMA2 protein function. In summary, the available evidence is currently insufficient to determine the role of this variant in disease. Therefore, it has been classified as a Variant of Uncertain Significance.

Ambry Genetics
Classification: Uncertain significance for Inborn genetic diseases. Last evaluated: 2022-05-04. Review status: criteria provided, single submitter. Criteria: Ambry Variant Classification Scheme 2023. Collection method: clinical testing. Allele origin: germline.

GeneDx
Classification: Uncertain significance. Last evaluated: 2017-07-31. Review status: criteria provided, single submitter. Criteria: GeneDx Variant Classification (06012015). Collection method: clinical testing. Allele origin: germline. Affected: yes.
Comment: A variant of uncertain significance has been identified in the LAMA2 gene. The R1549Q variant has not been published as a pathogenic variant, nor has it been reported as a benign variant to our knowledge. The R1549Q variant is not observed at a significant frequency in large population cohorts (Lek et al., 2016; 1000 Genomes Consortium et al., 2015; Exome Variant Server). The R1549Q variant is a semi-conservative amino acid substitution, which may impact secondary protein structure as these residues differ in some properties. This substitution occurs at a position that is conserved in mammals. In silico analysis is inconsistent in its predictions as to whether or not the variant is damaging to the protein structure/function. Therefore, based on the currently available information, it is unclear whether this variant is a pathogenic variant or a rare benign variant.

NM_000426.4(LAMA2):c.4646G>A (p.Arg1549Gln)

Gene: LAMA2 (laminin subunit alpha 2; plus strand). Cytogenetic location: 6q22.33.
Variant type: single nucleotide variant.
Coding change: c.4646G>A on transcript NM_000426.4 (MANE Select); coding-DNA position 4646, G replaced by A.
Protein change: p.Arg1549Gln; replaces arginine 1549 with glutamine.
Molecular consequence: missense variant.
Genome position (GRCh38, 1-based): chr6:129,353,286, G>A. VCF-style: chr6-129353286-G-A. GRCh37 (hg19) VCF-style: chr6-129674431-G-A.
Other names: c.4646G>A, p.Arg1549Gln (NM_001079823.2); short protein forms R1549Q.
Identifiers: ClinVar variation 450942 (VCV000450942.7), dbSNP rs778508100, ClinGen allele CA3993617.